The following is an entry in ClinVar:

ClinVar aggregate classification (germline): Benign/Likely benign. Review status: criteria provided, multiple submitters, no conflicts (2 of 4 stars). 2 submissions from 2 submitters: Benign (1); Likely benign (1). Last evaluated 2024-07-09.

Conditions:
Hereditary cancer-predisposing syndrome. Also called: Hereditary Cancer Syndrome; Tumor predisposition; Hereditary neoplastic syndrome; Neoplastic Syndromes, Hereditary. Identifiers: Orphanet 140162, MedGen C0027672, MeSH D009386, MONDO:0015356.
Familial adenomatous polyposis 1 (FAP1). Also called: FAMILIAL ADENOMATOUS POLYPOSIS 1, ATTENUATED; POLYPOSIS, ADENOMATOUS INTESTINAL. Identifiers: MedGen C2713442, MONDO:0021056, OMIM 175100. Disease mechanism: loss of function.

Allele frequency attached by ClinVar (database versions not stated): gnomAD 0.00001; ESP Exome Variant Server 0.00008.
gnomAD v4.1: 1 of 1,613,482 alleles (0.000062%); highest among the groups gnomAD compares: Non-Finnish European, 0.000085%; no homozygotes.

Submissions (2):

Ambry Genetics
Classification: Likely benign for Hereditary cancer-predisposing syndrome. Last evaluated: 2024-07-09. Review status: criteria provided, single submitter. Criteria: Ambry Variant Classification Scheme 2023. Collection method: clinical testing. Allele origin: germline.

Myriad Genetics, Inc.
Classification: Benign for Familial adenomatous polyposis 1. Last evaluated: 2024-04-09. Review status: criteria provided, single submitter. Criteria: Myriad Autosomal Dominant, Autosomal Recessive and X-Linked Classification Criteria (2023). Collection method: clinical testing. Allele origin: unknown.
Comment: This variant is considered benign. This variant is a silent/synonymous amino acid change and it is not expected to impact splicing.

NM_000038.6(APC):c.7224T>C (p.Asn2408=)

Gene: APC (APC regulator of Wnt signaling pathway; plus strand). Cytogenetic location: 5q22.2.
Variant type: single nucleotide variant.
Coding change: c.7224T>C on transcript NM_000038.6 (MANE Select); coding-DNA position 7224, T replaced by C.
Protein change: p.Asn2408=; no amino-acid change (asparagine 2408 retained).
Molecular consequence: synonymous variant. On other transcripts: non-coding transcript variant (2).
Genome position (GRCh38, 1-based): chr5:112,842,818, T>C. VCF-style: chr5-112842818-T-C. GRCh37 (hg19) VCF-style: chr5-112178515-T-C.
Other names: c.7224T>C, p.Asn2408= (NM_001127510.3, NM_001354895.2, NM_001407450.1); c.7170T>C, p.Asn2390= (NM_001127511.3); c.7278T>C, p.Asn2426= (NM_001354896.2, NM_001407447.1, NM_001407448.1 and 1 more transcripts); c.7254T>C, p.Asn2418= (NM_001354897.2); c.7149T>C, p.Asn2383= (NM_001354898.2); c.7140T>C, p.Asn2380= (NM_001354899.2); c.7101T>C, p.Asn2367= (NM_001354900.2); c.7047T>C, p.Asn2349= (NM_001354901.2, NM_001407453.1); and 12 more.
Identifiers: ClinVar variation 3254473 (VCV003254473.2), dbSNP rs150029348.